The following is an entry in ClinVar:

ClinVar aggregate classification (germline): Uncertain significance (1 of 4 stars; one submission).

gnomAD v4.1: 1 of 1,613,958 alleles (0.000062%); highest among the groups gnomAD compares: Non-Finnish European, 0.000085%; no homozygotes.

Submission:

GeneDx
Classification: Uncertain significance. Last evaluated: 2024-05-02. Review status: criteria provided, single submitter. Criteria: GeneDx Variant Classification Process June 2021. Collection method: clinical testing. Allele origin: germline. Affected: yes.
Comment: Not observed at significant frequency in large population cohorts (gnomAD); In silico analysis supports that this missense variant has a deleterious effect on protein structure/function; Has not been previously published as pathogenic or benign to our knowledge; Although located in a calcium-binding EGF-like domain of the FBN1 gene, it does not affect a cysteine residue within this domain; cysteine substitutions in the calcium-binding EGF-like domains represent the majority of pathogenic missense changes associated with FBN1-related disorders (PMID: 12938084); This variant is associated with the following publications: (PMID: 12938084)

NM_000138.5(FBN1):c.2477G>C (p.Gly826Ala)

Gene: FBN1 (fibrillin 1; minus strand). Cytogenetic location: 15q21.1.
Variant type: single nucleotide variant.
Coding change: c.2477G>C on transcript NM_000138.5 (MANE Select); coding-DNA position 2477, G replaced by C.
Protein change: p.Gly826Ala; replaces glycine 826 with alanine.
Molecular consequence: missense variant.
Genome position (GRCh38, 1-based): chr15:48,495,531, C>G on the plus strand (G>C on the coding strand, the complement: FBN1 is on the minus strand). VCF-style: chr15-48495531-C-G. GRCh37 (hg19) VCF-style: chr15-48787728-C-G.
Other names: c.2477G>C, p.Gly826Ala (NM_001406716.1); short protein forms G826A.
Identifiers: ClinVar variation 3373223 (VCV003373223.1).